The following is an entry in ClinVar:

ClinVar aggregate classification (germline): Uncertain significance. Review status: criteria provided, multiple submitters, no conflicts (2 of 4 stars). 2 submissions from 2 submitters: Uncertain significance (2). Last evaluated 2025-07-18.

Conditions:
TJP2-related disorder. Also called: TJP2-related condition.
Inborn genetic diseases. Identifiers: MedGen C0950123, MeSH D030342.

gnomAD v4.1: 6 of 1,614,066 alleles (0.00037%); highest among the groups gnomAD compares: Non-Finnish European, 0.00051%; 1 homozygote.

Submissions (2):

Ambry Genetics
Classification: Uncertain significance for Inborn genetic diseases. Last evaluated: 2025-07-18. Review status: criteria provided, single submitter. Criteria: Ambry Variant Classification Scheme 2023. Collection method: clinical testing. Allele origin: germline.

PreventionGenetics, part of Exact Sciences
Classification: Uncertain significance for TJP2-related condition. Last evaluated: 2025-02-07. Review status: criteria provided, single submitter. Criteria: ACMG Guidelines, 2015. Collection method: clinical testing. Allele origin: germline.
Comment: The TJP2 c.1277A>G variant is predicted to result in the amino acid substitution p.Tyr426Cys. To our knowledge, this variant has not been reported in the literature or in a large population database (gnomAD), indicating this variant is rare. At this time, the clinical significance of this variant is uncertain due to the absence of conclusive functional and genetic evidence.

NM_004817.4(TJP2):c.1277A>G (p.Tyr426Cys)

Gene: TJP2 (tight junction protein 2; plus strand). Cytogenetic location: 9q21.11.
Variant type: single nucleotide variant.
Coding change: c.1277A>G on transcript NM_004817.4 (MANE Select); coding-DNA position 1277, A replaced by G.
Protein change: p.Tyr426Cys; replaces tyrosine 426 with cysteine.
Molecular consequence: missense variant.
Genome position (GRCh38, 1-based): chr9:69,227,831, A>G. VCF-style: chr9-69227831-A-G. GRCh37 (hg19) VCF-style: chr9-71842747-A-G.
Other names: c.1370A>G, p.Tyr457Cys (NM_001170416.2); c.1208A>G, p.Tyr403Cys (NM_001369870.1, NM_001369871.1, NM_001170414.2); c.1277A>G, p.Tyr426Cys (NM_001369872.1, NM_001369873.1, NM_201629.3); c.1289A>G, p.Tyr430Cys (NM_001369874.1, NM_001369875.1, NM_001170415.1); short protein forms Y457C, Y403C, Y430C, Y426C.
Identifiers: ClinVar variation 4184880 (VCV004184880.2).